The following is an entry in ClinVar:

NM_002772.3(TMPRSS15):c.412GAA[1] (p.Glu139del)

Gene: TMPRSS15 (transmembrane serine protease 15; minus strand). Cytogenetic location: 21q21.1.
Variant type: Microsatellite.
Coding change: c.412GAA[1] on transcript NM_002772.3 (MANE Select); one copy of the 3-base unit GAA starting at c.412; the reference has two copies in a row; one copy, 3 bases deleted.
Protein change: p.Glu139del; deletes glutamic acid 139.
Genome position (GRCh38, 1-based): chr21:18,383,706-18,383,708, TTC deleted on the plus strand (GAA on the coding strand, the reverse complement: TMPRSS15 is on the minus strand); deleting any 3 consecutive bases within chr21:18,383,706-18,383,713 gives the same sequence; the position shown is the placement nearest the transcript's 3' end. VCF-style (leftmost placement, unchanged base first): chr21-18383705-GTTC-G. GRCh37 (hg19) VCF-style: chr21-19756022-GTTC-G.
Other names: c.502GAA[1], p.Glu169del (NM_001428056.1); c.412GAA[1], p.Glu139del (NM_001428057.1); short protein forms E139del, E169del.
Identifiers: ClinVar variation 4764123 (VCV004764123.1).

ClinVar aggregate classification (germline): Uncertain significance (1 of 4 stars; one submission).

Submission:

Labcorp Genetics (formerly Invitae), Labcorp
Classification: Uncertain significance. Last evaluated: 2025-03-23. Review status: criteria provided, single submitter. Criteria: Invitae Variant Classification Sherloc (09022015). Collection method: clinical testing. Allele origin: germline.
Comment: This variant, c.415_417del, results in the deletion of 1 amino acid(s) of the TMPRSS15 protein (p.Glu139del), but otherwise preserves the integrity of the reading frame. The frequency data for this variant in the population databases is considered unreliable, as metrics indicate poor data quality at this position in the gnomAD database. This variant has not been reported in the literature in individuals affected with TMPRSS15-related conditions. Experimental studies and prediction algorithms are not available or were not evaluated, and the functional significance of this variant is currently unknown. In summary, the available evidence is currently insufficient to determine the role of this variant in disease. Therefore, it has been classified as a Variant of Uncertain Significance.